The following is an entry in ClinVar:

NM_014516.4(CNOT3):c.215A>G (p.Lys72Arg)

Gene: CNOT3 (CCR4-NOT transcription complex subunit 3; plus strand). Cytogenetic location: 19q13.42.
Variant type: single nucleotide variant.
Coding change: c.215A>G on transcript NM_014516.4 (MANE Select); coding-DNA position 215, A replaced by G.
Protein change: p.Lys72Arg; replaces lysine 72 with arginine.
Molecular consequence: missense variant.
Genome position (GRCh38, 1-based): chr19:54,143,706, A>G. VCF-style: chr19-54143706-A-G. GRCh37 (hg19) VCF-style: chr19-54647442-A-G.
Other names: short protein forms K72R.
Identifiers: ClinVar variation 3343586 (VCV003343586.1).
Genomic context (GRCh38, chr19:54,143,706, plus strand): 5'-TTTCCCATCTGCAGCGGCTGAGGGACCAAATCAAGACATGGGTAGCGTCCAACGAGATCA[A>G]GGACAAGAGGCAGCTTATAGACAACCGCAAGCTCATTGAGACGGTAGGAGCCCAGAGCCT-3'
Protein context (NP_055331.1, residues 62-82): IKTWVASNEI[Lys72Arg]DKRQLIDNRK

ClinVar aggregate classification (germline): Uncertain significance (1 of 4 stars; one submission).

Submission:

GeneDx
Classification: Uncertain significance. Last evaluated: 2023-05-22. Review status: criteria provided, single submitter. Criteria: GeneDx Variant Classification Process June 2021. Collection method: clinical testing. Allele origin: germline. Affected: yes.
Comment: Not observed at significant frequency in large population cohorts (gnomAD); In silico analysis supports that this missense variant has a deleterious effect on protein structure/function; Has not been previously published as pathogenic or benign to our knowledge